The following is an entry in ClinVar:

NM_001105206.3(LAMA4):c.2478A>C (p.Arg826Ser)

Gene: LAMA4 (laminin subunit alpha 4; minus strand). Cytogenetic location: 6q21.
Variant type: single nucleotide variant.
Coding change: c.2478A>C on transcript NM_001105206.3 (MANE Select); coding-DNA position 2478, A replaced by C.
Protein change: p.Arg826Ser; replaces arginine 826 with serine.
Molecular consequence: missense variant.
Genome position (GRCh38, 1-based): chr6:112,144,809, T>G on the plus strand (A>C on the coding strand, the complement: LAMA4 is on the minus strand). VCF-style: chr6-112144809-T-G. GRCh37 (hg19) VCF-style: chr6-112466011-T-G.
Other names: c.2457A>C, p.Arg819Ser (NM_001105207.3, NM_002290.5); short protein forms R819S, R826S.
Identifiers: ClinVar variation 2912387 (VCV002912387.3), dbSNP rs1230385982, ClinGen allele CA365382615.

ClinVar aggregate classification (germline): Uncertain significance (1 of 4 stars; one submission).

Conditions:
Dilated cardiomyopathy 1JJ (CMD1JJ). Identifiers: Orphanet 154, MedGen C3808935, MONDO:0014095, OMIM 615235.

Allele frequency attached by ClinVar (database versions not stated): gnomAD 0.00001; gnomAD exomes 0.00001; TOPMed 0.00001.
gnomAD v4.1: 11 of 1,613,474 alleles (0.00068%); highest among the groups gnomAD compares: Non-Finnish European, 0.00093%; no homozygotes.

Submission:

Labcorp Genetics (formerly Invitae), Labcorp
Classification: Uncertain significance for Dilated cardiomyopathy 1JJ. Last evaluated: 2024-01-29. Review status: criteria provided, single submitter. Criteria: Invitae Variant Classification Sherloc (09022015). Collection method: clinical testing. Allele origin: germline.
Comment: This sequence change replaces arginine, which is basic and polar, with serine, which is neutral and polar, at codon 819 of the LAMA4 protein (p.Arg819Ser). This variant is not present in population databases (gnomAD no frequency). This variant has not been reported in the literature in individuals affected with LAMA4-related conditions. An algorithm developed to predict the effect of missense changes on protein structure and function (PolyPhen-2) suggests that this variant is likely to be disruptive. In summary, the available evidence is currently insufficient to determine the role of this variant in disease. Therefore, it has been classified as a Variant of Uncertain Significance.